The following is an entry in ClinVar:

ClinVar aggregate classification (germline): Uncertain significance (1 of 4 stars; one submission).

gnomAD v4.1: 9 of 1,612,918 alleles (0.00056%); highest among the groups gnomAD compares: Middle Eastern, 0.033%; no homozygotes.

Submission:

GeneDx
Classification: Uncertain significance. Last evaluated: 2026-02-27. Review status: criteria provided, single submitter. Criteria: GeneDx Variant Classification Process June 2021. Collection method: clinical testing. Allele origin: germline.
Comment: In silico analysis suggests that this missense variant does not alter protein structure/function; Has not been previously published as pathogenic or benign to our knowledge

NM_000484.4(APP):c.784T>C (p.Tyr262His)

Gene: APP (amyloid beta precursor protein; minus strand). Cytogenetic location: 21q21.3.
Variant type: single nucleotide variant.
Coding change: c.784T>C on transcript NM_000484.4 (MANE Select); coding-DNA position 784, T replaced by C.
Protein change: p.Tyr262His; replaces tyrosine 262 with histidine.
Molecular consequence: missense variant.
Genome position (GRCh38, 1-based): chr21:26,021,921, A>G on the plus strand (T>C on the coding strand, the complement: APP is on the minus strand). VCF-style: chr21-26021921-A-G. GRCh37 (hg19) VCF-style: chr21-27394237-A-G.
Other names: c.769T>C, p.Tyr257His (NM_001136016.3); c.616T>C, p.Tyr206His (NM_001136129.3, NM_001136130.3); c.679T>C, p.Tyr227His (NM_001136131.3); c.784T>C, p.Tyr262His (NM_001204301.2, NM_001204302.2, NM_001204303.2 and 3 more transcripts); short protein forms Y262H, Y206H, Y227H, Y257H.
Identifiers: ClinVar variation 5008194 (VCV005008194.1).